The following is an entry in ClinVar:

NM_004655.4(AXIN2):c.22A>G (p.Thr8Ala)

Gene: AXIN2 (axin 2; minus strand). Cytogenetic location: 17q24.1.
Variant type: single nucleotide variant.
Coding change: c.22A>G on transcript NM_004655.4 (MANE Select); coding-DNA position 22, A replaced by G.
Protein change: p.Thr8Ala; replaces threonine 8 with alanine.
Molecular consequence: missense variant.
Genome position (GRCh38, 1-based): chr17:65,558,599, T>C on the plus strand (A>G on the coding strand, the complement: AXIN2 is on the minus strand). VCF-style: chr17-65558599-T-C. GRCh37 (hg19) VCF-style: chr17-63554717-T-C.
Other names: c.22A>G, p.Thr8Ala (NM_001363813.1); short protein forms T8A.
Identifiers: ClinVar variation 1789247 (VCV001789247.2), dbSNP rs1275134450, ClinGen allele CA400682467.
Genomic context (GRCh38, chr17:65,558,599, plus strand): 5'-CTGGCACTGGGGGCCGCGGGGCATCCTCACGGAAGCTGCTGCTGGGGTCCGGGAGGCAAG[T>C]CACCAACATAGCGCTACTCATGGTGAGGGAGCTCTTCCCACTGAGTCTGGGAATTTTTCT-3'
Protein context (NP_004646.3, residues 1-18): MSSAMLV[Thr8Ala]CLPDPSSSFR

ClinVar aggregate classification (germline): Uncertain significance (1 of 4 stars; one submission).

Conditions:
Hereditary cancer-predisposing syndrome. Also called: Hereditary Cancer Syndrome; Hereditary neoplastic syndrome; Tumor predisposition; Neoplastic Syndromes, Hereditary. Identifiers: Orphanet 140162, MedGen C0027672, MeSH D009386, MONDO:0015356.

Submission:

Ambry Genetics
Classification: Uncertain significance for Hereditary cancer-predisposing syndrome. Last evaluated: 2022-04-21. Review status: criteria provided, single submitter. Criteria: Ambry Variant Classification Scheme 2023. Collection method: clinical testing. Allele origin: germline.
Comment: The p.T8A variant (also known as c.22A>G), located in coding exon 1 of the AXIN2 gene, results from an A to G substitution at nucleotide position 22. The threonine at codon 8 is replaced by alanine, an amino acid with similar properties. This amino acid position is conserved. In addition, this alteration is predicted to be tolerated by in silico analysis. Since supporting evidence is limited at this time, the clinical significance of this alteration remains unclear.